The following is an entry in ClinVar:

ClinVar aggregate classification (germline): Uncertain significance (1 of 4 stars; one submission).

Conditions:
Koolen-de Vries syndrome (KDVS). Identifiers: Orphanet 96169, MedGen C1864871, MONDO:0012496, OMIM 610443.

gnomAD v4.1: 3 of 1,547,784 alleles (0.00019%); highest among the groups gnomAD compares: Non-Finnish European, 0.00018%; no homozygotes.

Submission:

Labcorp Genetics (formerly Invitae), Labcorp
Classification: Uncertain significance for Koolen-de Vries syndrome. Last evaluated: 2025-12-01. Review status: criteria provided, single submitter. Criteria: Invitae Variant Classification Sherloc (09022015). Collection method: clinical testing. Allele origin: germline.
Comment: This sequence change replaces threonine, which is neutral and polar, with serine, which is neutral and polar, at codon 551 of the KANSL1 protein (p.Thr551Ser). This variant is not present in population databases (gnomAD no frequency). This variant has not been reported in the literature in individuals affected with KANSL1-related conditions. ClinVar contains an entry for this variant (Variation ID: 1416108). An algorithm developed to predict the effect of missense changes on protein structure and function outputs the following: PolyPhen-2: "Benign". The serine amino acid residue is found in multiple mammalian species, which suggests that this missense change does not adversely affect protein function. In summary, the available evidence is currently insufficient to determine the role of this variant in disease. Therefore, it has been classified as a Variant of Uncertain Significance.

NM_015443.4(KANSL1):c.1652C>G (p.Thr551Ser)

Gene: KANSL1 (KAT8 regulatory NSL complex subunit 1). Cytogenetic location: 17q21.31.
Variant type: single nucleotide variant.
Coding change: c.1652C>G on transcript NM_015443.4 (MANE Select); coding-DNA position 1652, C replaced by G.
Protein change: p.Thr551Ser; replaces threonine 551 with serine.
Molecular consequence: missense variant.
Genome position (GRCh38, 1-based): chr17:46,067,549, G>C on the plus strand (C>G on the coding strand, the complement: KANSL1 is on the minus strand). VCF-style: chr17-46067549-G-C. GRCh37 (hg19) VCF-style: chr17-44144915-G-C.
Other names: c.1652C>G, p.Thr551Ser (NM_001193465.2, NM_001193466.2, NM_001379198.1); short protein forms T551S.
Identifiers: ClinVar variation 1416108 (VCV001416108.8), dbSNP rs778178483, ClinGen allele CA399987373.